The following is an entry in ClinVar:

ClinVar aggregate classification (germline): Conflicting classifications of pathogenicity. Review status: criteria provided, conflicting classifications (1 of 4 stars). 5 submissions from 5 submitters: Uncertain significance (2); Benign (1); Likely benign (2). Last evaluated 2026-08-10.

Conditions:
KITLG-related disorder. Also called: KITLG-related condition.

Allele frequency attached by ClinVar (database versions not stated): TOPMed 0.00005; ESP Exome Variant Server 0.00015; 1000 Genomes Project 30x 0.00016; gnomAD exomes 0.00018; 1000 Genomes Project 0.00020; gnomAD 0.00022; ExAC 0.00030.
gnomAD v4.1: 298 of 1,612,900 alleles (0.018%); highest among the groups gnomAD compares: East Asian, 0.02%; 1 homozygote.

Submissions (5):

PreventionGenetics, part of Exact Sciences
Classification: Likely benign for KITLG-related condition. Last evaluated: 2026-08-10. Review status: criteria provided, single submitter. Criteria: ACMG Guidelines, 2015. Collection method: clinical testing. Allele origin: germline.
Comment: This variant is classified as likely benign based on ACMG/AMP sequence variant interpretation guidelines (Richards et al. 2015 PMID: 25741868, with internal and published modifications).

CeGaT Center for Human Genetics Tuebingen
Classification: Uncertain significance. Last evaluated: 2026-08-01. Review status: criteria provided, single submitter. Criteria: CeGaT Center For Human Genetics Tuebingen Variant Classification Criteria Version 2. Collection method: clinical testing. Allele origin: germline. Affected: yes. Observed: 1 variant allele.
Comment: KITLG: PM2:Supporting, BP4

GeneDx
Classification: Uncertain significance. Last evaluated: 2026-03-05. Review status: criteria provided, single submitter. Criteria: GeneDx Variant Classification Process June 2021. Collection method: clinical testing. Allele origin: germline.
Comment: In silico analysis suggests that this missense variant does not alter protein structure/function; Has not been previously published as pathogenic or benign to our knowledge

Blueprint Genetics
Classification: Likely benign. Last evaluated: 2024-02-19. Review status: criteria provided, single submitter. Criteria: ACMG Guidelines, 2015. Collection method: clinical testing. Allele origin: germline.

Labcorp Genetics (formerly Invitae), Labcorp
Classification: Benign. Last evaluated: 2023-11-18. Review status: criteria provided, single submitter. Criteria: Invitae Variant Classification Sherloc (09022015). Collection method: clinical testing. Allele origin: germline.

NM_000899.5(KITLG):c.67G>A (p.Val23Ile)

Gene: KITLG (KIT ligand; minus strand). Cytogenetic location: 12q21.32.
Variant type: single nucleotide variant.
Coding change: c.67G>A on transcript NM_000899.5 (MANE Select); coding-DNA position 67, G replaced by A.
Protein change: p.Val23Ile; replaces valine 23 with isoleucine.
Molecular consequence: missense variant.
Genome position (GRCh38, 1-based): chr12:88,545,814, C>T on the plus strand (G>A on the coding strand, the complement: KITLG is on the minus strand). VCF-style: chr12-88545814-C-T. GRCh37 (hg19) VCF-style: chr12-88939591-C-T.
Other names: c.67G>A, p.Val23Ile (NM_003994.6); short protein forms V23I.
Identifiers: ClinVar variation 2502550 (VCV002502550.7), dbSNP rs140316904, ClinGen allele CA6713830.
Genomic context (GRCh38, chr12:88,545,814, plus strand): 5'-ATTTAGTGACGTCTTTTACATTATTAGTCACACGATTCCTGCAGATCCCTTCAGTTTTGA[C>T]GAGAGGATTAAATAGGAGCAGCTGAAGATAAATGCAAGTGAGAATCCAAGTCTAAATGAA-3'
Protein context (NP_000890.1, residues 13-33): YLQLLLFNPL[Val23Ile]KTEGICRNRV